The following is an entry in ClinVar:

NM_000212.3(ITGB3):c.1914-7C>T

Gene: ITGB3 (integrin subunit beta 3; plus strand). Cytogenetic location: 17q21.32.
Variant type: single nucleotide variant.
Coding change: c.1914-7C>T on transcript NM_000212.3 (MANE Select); 7 bases into the intron before coding-DNA position 1914, C replaced by T.
Molecular consequence: intron variant.
Genome position (GRCh38, 1-based): chr17:47,300,471, C>T. VCF-style: chr17-47300471-C-T. GRCh37 (hg19) VCF-style: chr17-45377837-C-T.
Other names: c.1914-7C>T (NM_000212.2).
Identifiers: ClinVar variation 2063683 (VCV002063683.11), dbSNP rs143241865, ClinGen allele CA8623396.

ClinVar aggregate classification (germline): Benign. Review status: reviewed by expert panel (3 of 4 stars). 5 submissions from 5 submitters: Benign (1). 4 of the submissions do not count toward it. Last evaluated 2024-08-20.

Conditions:
ITGB3-related disorder. Also called: ITGB3-related condition.
Glanzmann thrombasthenia. Also called: THROMBASTHENIA OF GLANZMANN AND NAEGELI; Glanzmann's thrombasthenia; Thrombasthenia; PLATELET GLYCOPROTEIN IIb-IIIa DEFICIENCY. Identifiers: Orphanet 849, MedGen C0040015, MONDO:0100326.

Allele frequency attached by ClinVar (database versions not stated): gnomAD exomes 0.00011; ExAC 0.00042; ESP Exome Variant Server 0.00077; gnomAD 0.00106; TOPMed 0.00121; 1000 Genomes Project 0.00220; 1000 Genomes Project 30x 0.00250.

Submissions (5):

ClinGen Platelet Disorders Variant Curation Expert Panel, ClinGen
Classification: Benign for Glanzmann thrombasthenia. Last evaluated: 2024-08-20. Review status: reviewed by expert panel. Criteria: ClinGen Platelet ACMG Specifications v2-1. Collection method: curation. Allele origin: germline. Inheritance: Autosomal recessive inheritance.
Comment: The NM_000212.3(ITGB3):c.1914-7C>T variant is an intronic variant that is not predicted by SpliceAI to impact splicing (delta score 0.00). In addition, it occurs at a nucleotide that is not conserved as shown by phyloP score of 0.35 (BP7). The highest population minor allele frequency in gnomAD v4.1 is 0.003668 (275/74966 alleles) in the African/African American population, which is higher than the ClinGen PD VCEP threshold (>0.0024), and therefore meets this criterion (BA1). This variant has been reported in ClinVar (SCV003276340.2; SCV004813504.1) but to our knowledge, no occurrence of c.1914-7C>T in individuals affected with Glanzmann Thrombasthenia and no experimental evidence demonstrating its impact on protein function have been reported. In summary this variant is classified as Benign for autosomal recessive Glanzmann thrombasthenia, with ACMG criteria applied as specified by the PD VCEP: BA1, BP7.

Labcorp Genetics (formerly Invitae), Labcorp
Classification: Benign. Last evaluated: 2026-01-26. Review status: criteria provided, single submitter. Criteria: Invitae Variant Classification Sherloc (09022015). Collection method: clinical testing. Allele origin: germline. Not counted in ClinVar's aggregate classification.

Women's Health and Genetics/Laboratory Corporation of America, LabCorp
Classification: Likely benign. Last evaluated: 2025-04-30. Review status: criteria provided, single submitter. Criteria: LabCorp Variant Classification Summary - May 2015. Collection method: clinical testing. Allele origin: germline. Not counted in ClinVar's aggregate classification.

PreventionGenetics, part of Exact Sciences
Classification: Benign for ITGB3-related condition. Last evaluated: 2025-02-10. Review status: criteria provided, single submitter. Criteria: ACMG Guidelines, 2015. Collection method: clinical testing. Allele origin: germline. Not counted in ClinVar's aggregate classification.
Comment: This variant is classified as benign based on ACMG/AMP sequence variant interpretation guidelines (Richards et al. 2015 PMID: 25741868, with internal and published modifications).

Blueprint Genetics
Classification: Likely benign. Last evaluated: 2024-11-13. Review status: criteria provided, single submitter. Criteria: ACMG Guidelines, 2015. Collection method: clinical testing. Allele origin: germline. Not counted in ClinVar's aggregate classification.